The following is an entry in ClinVar:

ClinVar aggregate classification (germline): Likely pathogenic. Review status: criteria provided, single submitter (1 of 4 stars). 2 submissions from 2 submitters: Likely pathogenic (1). 1 of the submissions does not count toward it. Last evaluated 2023-11-24.

Conditions:
Foveal hypoplasia 1. Also called: FOVEAL HYPOPLASIA 1 WITH OR WITHOUT ANTERIOR SEGMENT ANOMALIES AND/OR CATARACT; FOVEAL HYPOPLASIA 1 WITH ANTERIOR SEGMENT ANOMALIES. Identifiers: Orphanet 2253, MedGen C3805604, MONDO:0007628, OMIM 136520.

Submissions (2):

3billion
Classification: Likely pathogenic for Foveal hypoplasia 1. Last evaluated: 2023-11-24. Review status: criteria provided, single submitter. Criteria: ACMG Guidelines, 2015. Collection method: clinical testing. Allele origin: germline. Affected: yes.
Comment: The variant is not observed in the gnomAD v2.1.1 dataset. Predicted Consequence/Location: Intron variant In silico tools predict the variant to alter splicing and produce an abnormal transcript [SpliceAI: 0.88 (>=0.2, moderate evidence for spliceogenicity)]. The variant has been observed in at least two similarly affected unrelated individuals (PMID: 12634864, 15629294). The variant has been reported to co-segregate with the disease in at least 3 similarly affected relatives/individuals in the same family or similarly affected unrelated families (PMID: 15629294). The variant has been reported to be associated with PAX6-related disorder (ClinVar ID: VCV000003479 /PMID: 12634864). Therefore, this variant is classified as Likely pathogenic according to the recommendation of ACMG/AMP guideline.

OMIM
Classification: Pathogenic for FOVEAL HYPOPLASIA 1 WITH ANTERIOR SEGMENT ANOMALIES. Last evaluated: 2004-12-01. Review status: no assertion criteria provided. Collection method: literature only. Allele origin: germline. Not counted in ClinVar's aggregate classification.

Literature cited by the submitters: PubMed 12634864 (cited by 3billion); PubMed 15629294 (cited by 3billion and OMIM).

NM_001368894.2(PAX6):c.10+5G>C

Gene: PAX6 (paired box 6; minus strand). Cytogenetic location: 11p13.
Variant type: single nucleotide variant.
Coding change: c.10+5G>C on transcript NM_001368894.2 (MANE Select); 5 bases into the intron after coding-DNA position 10, G replaced by C.
Molecular consequence: intron variant.
Genome position (GRCh38, 1-based): chr11:31,806,397, C>G on the plus strand (G>C on the coding strand, the complement: PAX6 is on the minus strand). VCF-style: chr11-31806397-C-G. GRCh37 (hg19) VCF-style: chr11-31827945-C-G.
Other names: IVS4DS, G-C, +5; c.10+5G>C (NM_001127612.3, NM_001368921.2, NM_001368923.2 and 30 more transcripts); c.110+5G>C (NM_001368910.2); c.-268+4431G>C (NM_001368909.2); c.14-3563G>C (NM_001368911.2); c.-268+5G>C (NM_001368904.2); c.-772+5G>C (NM_001368905.2).
Identifiers: ClinVar variation 3479 (VCV000003479.3), dbSNP rs587776572, ClinGen allele CA116247.
Genomic context (GRCh38, chr11:31,806,397, plus strand): 5'-CCTCCCCTGACCCTCGGGTCCGCGCACCCCGAGCCCGAAGTCCCAGAAAGACCAGAGGCA[C>G]TTACTGTTCTGCATGCTGGCTCTGGCTGGGGGCCGCGGGATTCCACGGGGCTCGAATATG-3'